The following is an entry in ClinVar:

ClinVar aggregate classification (germline): Uncertain significance (1 of 4 stars; one submission).

Allele frequency attached by ClinVar (database versions not stated): gnomAD exomes 0.00001.
gnomAD v4.1: 16 of 1,605,426 alleles (0.001%); highest among the groups gnomAD compares: Non-Finnish European, 0.0014%; no homozygotes.

Submission:

Ambry Genetics
Classification: Uncertain significance. Last evaluated: 2024-01-23. Review status: criteria provided, single submitter. Criteria: Ambry Variant Classification Scheme 2023. Collection method: clinical testing. Allele origin: germline.
Comment: The p.A144V variant (also known as c.431C>T), located in coding exon 4 of the SLMAP gene, results from a C to T substitution at nucleotide position 431. The alanine at codon 144 is replaced by valine, an amino acid with similar properties. This amino acid position is conserved. In addition, this alteration is predicted to be tolerated by in silico analysis. Based on the available evidence, the clinical significance of this alteration remains unclear.

NM_001377540.1(SLMAP):c.431C>T (p.Ala144Val)

Gene: SLMAP (sarcolemma associated protein; plus strand). Cytogenetic location: 3p14.3.
Variant type: single nucleotide variant.
Coding change: c.431C>T on transcript NM_001377540.1 (MANE Select); coding-DNA position 431, C replaced by T.
Protein change: p.Ala144Val; replaces alanine 144 with valine.
Molecular consequence: missense variant. On other transcripts: non-coding transcript variant (1).
Genome position (GRCh38, 1-based): chr3:57,847,208, C>T. VCF-style: chr3-57847208-C-T. GRCh37 (hg19) VCF-style: chr3-57832935-C-T.
Other names: c.431C>T, p.Ala144Val (NM_001304420.3, NM_001304421.2, NM_001377538.1 and 17 more transcripts); short protein forms A144V.
Identifiers: ClinVar variation 3226007 (VCV003226007.1), dbSNP rs748075034, ClinGen allele CA353406355.